The following is an entry in ClinVar:

NM_001009944.3(PKD1):c.11719C>T (p.Leu3907=)

Gene: PKD1 (polycystin 1, transient receptor potential channel interacting; minus strand). Cytogenetic location: 16p13.3.
Variant type: single nucleotide variant.
Coding change: c.11719C>T on transcript NM_001009944.3 (MANE Select); coding-DNA position 11719, C replaced by T.
Protein change: p.Leu3907=; no amino-acid change (leucine 3907 retained).
Molecular consequence: synonymous variant.
Genome position (GRCh38, 1-based): chr16:2,091,168, G>A on the plus strand (C>T on the coding strand, the complement: PKD1 is on the minus strand). VCF-style: chr16-2091168-G-A. GRCh37 (hg19) VCF-style: chr16-2141169-G-A.
Other names: c.11716C>T, p.Leu3906= (NM_000296.4).
Identifiers: ClinVar variation 4535517 (VCV004535517.1).

ClinVar aggregate classification (germline): Likely benign (1 of 4 stars; one submission).

gnomAD v4.1: 18 of 1,458,314 alleles (0.0012%); highest among the groups gnomAD compares: African/African-American, 0.0015%; no homozygotes.

Submission:

Women's Health and Genetics/Laboratory Corporation of America, LabCorp
Classification: Likely benign. Last evaluated: 2025-09-15. Review status: criteria provided, single submitter. Criteria: LabCorp Variant Classification Summary - May 2015. Collection method: clinical testing. Allele origin: germline.
Comment: Variant summary: PKD1 c.11719C>T results in a synonymous change. Consensus agreement among computation tools predict no significant impact on normal splicing. However, these predictions have yet to be confirmed by functional studies. The variant allele was found at a frequency of 2.2e-05 in 90608 control chromosomes. The available data on variant occurrences in the general population are insufficient to allow any conclusion about variant significance. To our knowledge, no occurrence of c.11719C>T in individuals affected with PKD1-related conditions and no experimental evidence demonstrating its impact on protein function have been reported. No submitters have cited clinical-significance assessments for this variant to ClinVar. Based on the evidence outlined above, the variant was classified as likely benign.